The following is an entry in ClinVar:

ClinVar aggregate classification (germline): Uncertain significance (1 of 4 stars; one submission).

Conditions:
Cardiovascular phenotype. Identifiers: MedGen CN230736.

Submission:

Ambry Genetics
Classification: Uncertain significance for Cardiovascular phenotype. Last evaluated: 2026-05-20. Review status: criteria provided, single submitter. Criteria: Ambry Variant Classification Scheme 2023. Collection method: clinical testing. Allele origin: germline.
Comment: The p.T1057I variant (also known as c.3170C>T), located in coding exon 25 of the CACNA1C gene, results from a C to T substitution at nucleotide position 3170. The threonine at codon 1057 is replaced by isoleucine, an amino acid with similar properties. This amino acid position is conserved. In addition, the in silico prediction for this alteration is inconclusive. Based on the available evidence, the clinical significance of this variant remains unclear.

NM_000719.7(CACNA1C):c.3170C>T (p.Thr1057Ile)

Gene: CACNA1C (calcium voltage-gated channel subunit alpha1 C; plus strand). Cytogenetic location: 12p13.33.
Variant type: single nucleotide variant.
Coding change: c.3170C>T on transcript NM_000719.7 (MANE Select); coding-DNA position 3170, C replaced by T.
Protein change: p.Thr1057Ile; replaces threonine 1057 with isoleucine.
Molecular consequence: missense variant.
Genome position (GRCh38, 1-based): chr12:2,606,624, C>T. VCF-style: chr12-2606624-C-T. GRCh37 (hg19) VCF-style: chr12-2715790-C-T.
Other names: c.3230C>T, p.Thr1077Ile (NM_001129827.2, NM_001129832.2, NM_199460.4); c.3170C>T, p.Thr1057Ile (NM_001129829.2, NM_001129830.3, NM_001129831.2 and 15 more transcripts); c.3161C>T, p.Thr1054Ile (NM_001129844.2); short protein forms T1054I, T1057I, T1077I.
Identifiers: ClinVar variation 4868054 (VCV004868054.1).
Genomic context (GRCh38, chr12:2,606,624, plus strand): 5'-CTCATTGATTACTGAACATCTCTGATACTCTGTTCTCTGCCTTCCAGGGAAAGCTGTACA[C>T]CTGTTCAGACAGTTCCAAGCAGACAGAGGCGGAATGCAAGTGAGTAGAGGTGGGAGGGCA-3'
Protein context (NP_000710.5, residues 1047-1067): GVQLFKGKLY[Thr1057Ile]CSDSSKQTEA